The following is an entry in ClinVar:

ClinVar aggregate classification (germline): Uncertain significance (1 of 4 stars; one submission).

Conditions:
Hereditary cancer-predisposing syndrome. Also called: Tumor predisposition; Hereditary Cancer Syndrome; Neoplastic Syndromes, Hereditary; Hereditary neoplastic syndrome. Identifiers: Orphanet 140162, MedGen C0027672, MeSH D009386, MONDO:0015356.

Submission:

Ambry Genetics
Classification: Uncertain significance for Hereditary cancer-predisposing syndrome. Last evaluated: 2024-04-06. Review status: criteria provided, single submitter. Criteria: Ambry Variant Classification Scheme 2023. Collection method: clinical testing. Allele origin: germline.
Comment: The p.N280D variant (also known as c.838A>G), located in coding exon 2 of the HOXB13 gene, results from an A to G substitution at nucleotide position 838. The asparagine at codon 280 is replaced by aspartic acid, an amino acid with highly similar properties. This amino acid position is poorly conserved in available vertebrate species. In addition, this alteration is predicted to be tolerated by in silico analysis. Since supporting evidence is limited at this time, the clinical significance of this alteration remains unclear.

NM_006361.6(HOXB13):c.838A>G (p.Asn280Asp)

Gene: HOXB13 (homeobox B13; minus strand). Cytogenetic location: 17q21.32.
Variant type: single nucleotide variant.
Coding change: c.838A>G on transcript NM_006361.6 (MANE Select); coding-DNA position 838, A replaced by G.
Protein change: p.Asn280Asp; replaces asparagine 280 with aspartic acid.
Molecular consequence: missense variant.
Genome position (GRCh38, 1-based): chr17:48,726,807, T>C on the plus strand (A>G on the coding strand, the complement: HOXB13 is on the minus strand). VCF-style: chr17-48726807-T-C. GRCh37 (hg19) VCF-style: chr17-46804169-T-C.
Other names: short protein forms N280D.
Identifiers: ClinVar variation 822362 (VCV000822362.5), dbSNP rs1597932406, ClinGen allele CA400105268.
Genomic context (GRCh38, chr17:48,726,807, plus strand): 5'-GACACCCCCACTTTCGCTCCTCCCACCCAGGCAAGGAGATCTCTTAAGGGGTAGCGCTGT[T>C]CTTCACCTTGGCGAGAACCTTCTTCTCTTTGACCCGGCGGTTCTGAAACCAGATGGTAAT-3'
Protein context (NP_006352.2, residues 270-284): KEKKVLAKVK[Asn280Asp]SATP